The following is an entry in ClinVar:

NM_017934.7(PHIP):c.5129A>G (p.Asn1710Ser)

Genes: IRAK1BP1 (interleukin 1 receptor associated kinase 1 binding protein 1; plus strand), PHIP (PHIP subunit of CUL4-Ring ligase complex; minus strand). Cytogenetic location: 6q14.1.
Variant type: single nucleotide variant.
Coding change: c.5129A>G on transcript NM_017934.7 (MANE Select); coding-DNA position 5129, A replaced by G.
Protein change: p.Asn1710Ser; replaces asparagine 1710 with serine.
Molecular consequence: missense variant.
Genome position (GRCh38, 1-based): chr6:78,941,030, T>C on the plus strand (A>G on the coding strand, the complement: PHIP is on the minus strand). VCF-style: chr6-78941030-T-C. GRCh37 (hg19) VCF-style: chr6-79650747-T-C.
Other names: short protein forms N1710S.
Identifiers: ClinVar variation 3720145 (VCV003720145.2).
Genomic context (GRCh38, chr6:78,941,030, plus strand): 5'-AGGAGATCTGCATCTAATTTTTGTGTCTTCATCTTCCTTTTGGGCTTCCTACCTCCACGA[T>C]TCTTTTTCTGTAACAAATCTTCCTTTACATTATTAGTTTCAGAAAGAAAATTGCATGTTG-3'
Protein context (NP_060404.4, residues 1700-1720): NVKEDLLQKK[Asn1710Ser]RGGRKPKRKM

ClinVar aggregate classification (germline): Uncertain significance (1 of 4 stars; one submission).

Submission:

Labcorp Genetics (formerly Invitae), Labcorp
Classification: Uncertain significance. Last evaluated: 2024-11-15. Review status: criteria provided, single submitter. Criteria: Invitae Variant Classification Sherloc (09022015). Collection method: clinical testing. Allele origin: germline.
Comment: This sequence change replaces asparagine, which is neutral and polar, with serine, which is neutral and polar, at codon 1710 of the PHIP protein (p.Asn1710Ser). This variant is not present in population databases (gnomAD no frequency). This variant has not been reported in the literature in individuals affected with PHIP-related conditions. Invitae Evidence Modeling of protein sequence and biophysical properties (such as structural, functional, and spatial information, amino acid conservation, physicochemical variation, residue mobility, and thermodynamic stability) indicates that this missense variant is not expected to disrupt PHIP protein function with a negative predictive value of 95%. In summary, the available evidence is currently insufficient to determine the role of this variant in disease. Therefore, it has been classified as a Variant of Uncertain Significance.